The following is an entry in ClinVar:

NM_152468.5(TMC8):c.437C>A (p.Thr146Asn)

Gene: TMC8 (transmembrane channel like 8; plus strand). Cytogenetic location: 17q25.3.
Variant type: single nucleotide variant.
Coding change: c.437C>A on transcript NM_152468.5 (MANE Select); coding-DNA position 437, C replaced by A.
Protein change: p.Thr146Asn; replaces threonine 146 with asparagine.
Molecular consequence: missense variant.
Genome position (GRCh38, 1-based): chr17:78,132,497, C>A. VCF-style: chr17-78132497-C-A. GRCh37 (hg19) VCF-style: chr17-76128578-C-A.
Other names: short protein forms T146N.
Identifiers: ClinVar variation 4723303 (VCV004723303.1).

ClinVar aggregate classification (germline): Uncertain significance (1 of 4 stars; one submission).

Conditions:
Epidermodysplasia verruciformis. Identifiers: Orphanet 302, MedGen C0014522, MONDO:0009176.

gnomAD v4.1: 7 of 1,610,590 alleles (0.00043%); highest among the groups gnomAD compares: Non-Finnish European, 0.00059%; no homozygotes.

Submission:

Labcorp Genetics (formerly Invitae), Labcorp
Classification: Uncertain significance for Epidermodysplasia verruciformis. Last evaluated: 2025-10-15. Review status: criteria provided, single submitter. Criteria: Invitae Variant Classification Sherloc (09022015). Collection method: clinical testing. Allele origin: germline.
Comment: This sequence change replaces threonine, which is neutral and polar, with asparagine, which is neutral and polar, at codon 146 of the TMC8 protein (p.Thr146Asn). This variant is present in population databases (rs772044939, gnomAD 0.002%). This variant has not been reported in the literature in individuals affected with TMC8-related conditions. Invitae Evidence Modeling of protein sequence and biophysical properties (such as structural, functional, and spatial information, amino acid conservation, physicochemical variation, residue mobility, and thermodynamic stability) indicates that this missense variant is not expected to disrupt TMC8 protein function with a negative predictive value of 80%. In summary, the available evidence is currently insufficient to determine the role of this variant in disease. Therefore, it has been classified as a Variant of Uncertain Significance.